The following is an entry in ClinVar:

NM_020964.3(EPG5):c.5943-9_5943-5del

Gene: EPG5 (ectopic P-granules 5 autophagy tethering factor; minus strand). Cytogenetic location: 18q12.3.
Variant type: Microsatellite.
Coding change: c.5943-9_5943-5del on transcript NM_020964.3 (MANE Select); 9 bases into the intron before coding-DNA position 5943 through 5 bases into the intron before coding-DNA position 5943, 5 bases deleted (TCTTT; older notation c.5943-9_5943-5delTCTTT).
Molecular consequence: intron variant.
Genome position (GRCh38, 1-based): chr18:45,876,347-45,876,351, AAAGA deleted on the plus strand (TCTTT on the coding strand, the reverse complement: EPG5 is on the minus strand); deleting any 5 consecutive bases within chr18:45,876,347-45,876,357 gives the same sequence; the c. name uses the placement nearest the transcript's 3' end. VCF-style (leftmost placement, unchanged base first): chr18-45876346-TAAAGA-T. GRCh37 (hg19) VCF-style: chr18-43456311-TAAAGA-T.
Other names: c.5943-9_5943-5delTCTTT (NM_020964.3).
Identifiers: ClinVar variation 1220545 (VCV001220545.14), dbSNP rs773330060, ClinGen allele CA8948419.

ClinVar aggregate classification (germline): Conflicting classifications of pathogenicity. Review status: criteria provided, conflicting classifications (1 of 4 stars). 7 submissions from 7 submitters: Pathogenic (2); Likely pathogenic (4); Uncertain significance (1). Last evaluated 2025-11-23.

Conditions:
Vici syndrome (VICIS). Identifiers: Orphanet 1493, MedGen C1855772, MONDO:0009452, OMIM 242840.
EPG5-related disorders.
Autosomal recessive EPG5-related disorders.

Submissions (7):

Labcorp Genetics (formerly Invitae), Labcorp
Classification: Likely pathogenic for Vici syndrome. Last evaluated: 2025-11-23. Review status: criteria provided, single submitter. Criteria: Invitae Variant Classification Sherloc (09022015). Collection method: clinical testing. Allele origin: germline.
Comment: This sequence change falls in intron 34 of the EPG5 gene. It does not directly change the encoded amino acid sequence of the EPG5 protein. RNA analysis indicates that this variant induces altered splicing and may result in an absent or altered protein product. This variant is present in population databases (rs773330060, gnomAD 0.01%). This variant has been observed in individual(s) with clinical features of Vici syndrome (PMID: 31226715). In at least one individual the data is consistent with being in trans (on the opposite chromosome) from a pathogenic variant. Studies have shown that this variant results in skipping of exon 35, and produces a non-functional protein and/or introduces a premature termination codon (PMID: 31226715). In summary, the currently available evidence indicates that the variant is pathogenic, but additional data are needed to prove that conclusively. Therefore, this variant has been classified as Likely Pathogenic.

Variantyx, Inc.
Classification: Pathogenic for Autosomal recessive EPG5-related disorders. Last evaluated: 2025-05-20. Review status: criteria provided, single submitter. Criteria: Variantyx Assertion Criteria 2022. Collection method: clinical testing. Allele origin: germline. Inheritance: Autosomal recessive inheritance.
Comment: This is an intronic variant in the EPG5 gene (OMIM: 615068). Pathogenic variants in this gene have been associated with autosomal recessive EPG5-related disorders. This splicing variant is expected to result in loss of function, which is a known disease mechanism for EPG5 in these disorders (PMID:31226715) (PVS1). It has a 0.0132% maximum allele frequency in non-founder control populations (PM2). Algorithms that predict the potential impact of sequence variants on RNA splicing suggest that this variant has conflicting evidence regarding the effect on splicing. Based on the current evidence, this variant is classified as pathogenic for autosomal recessive EPG5-related disorders.

Blueprint Genetics
Classification: Likely pathogenic for EPG5-related disorders. Last evaluated: 2024-10-28. Review status: criteria provided, single submitter. Criteria: ACMG Guidelines, 2015. Collection method: clinical testing. Allele origin: germline. Affected: yes. Observed: 1 variant allele.

Fulgent Genetics
Classification: Likely pathogenic for Vici syndrome. Last evaluated: 2024-04-12. Review status: criteria provided, single submitter. Criteria: ACMG Guidelines, 2015. Collection method: clinical testing. Allele origin: germline.

AiLife Diagnostics
Classification: Likely pathogenic. Last evaluated: 2022-03-23. Review status: criteria provided, single submitter. Criteria: ACMG Guidelines, 2015. Collection method: clinical testing. Allele origin: germline. Affected: yes. Observed: 1 variant allele.

Undiagnosed Diseases Network, NIH
Classification: Pathogenic for Vici syndrome. Last evaluated: 2021-04-12. Review status: criteria provided, single submitter. Criteria: ACMG Guidelines, 2015. Collection method: clinical testing. Allele origin: inherited. Inheritance: Autosomal recessive inheritance. Affected: yes. Observed: 1 variant allele, 1 homozygote. Study: Undiagnosed Diseases Network (NIH), UDN.
Comment: This homozygous deletion at an acceptor site was analyzed in patient cells (with and without puromycin to inhibit NMD) and demonstrated exon skipping of coding exon 35 that was NMD dependent.

Revvity Omics, Revvity
Classification: Uncertain significance for Vici syndrome. Last evaluated: 2021-03-12. Review status: criteria provided, single submitter. Criteria: ACMG Guidelines, 2015. Collection method: clinical testing. Allele origin: germline.

Literature cited by the submitters: PubMed 31226715 (cited by 3 submitters).